The following is an entry in ClinVar:

NM_001040108.2(MLH3):c.884G>T (p.Arg295Leu)

Gene: MLH3 (mutL homolog 3; minus strand). Cytogenetic location: 14q24.3.
Variant type: single nucleotide variant.
Coding change: c.884G>T on transcript NM_001040108.2 (MANE Select); coding-DNA position 884, G replaced by T.
Protein change: p.Arg295Leu; replaces arginine 295 with leucine.
Molecular consequence: missense variant.
Genome position (GRCh38, 1-based): chr14:75,048,772, C>A on the plus strand (G>T on the coding strand, the complement: MLH3 is on the minus strand). VCF-style: chr14-75048772-C-A. GRCh37 (hg19) VCF-style: chr14-75515475-C-A.
Other names: c.884G>T, p.Arg295Leu (NM_014381.3); short protein forms R295L.
Identifiers: ClinVar variation 4826070 (VCV004826070.1).

ClinVar aggregate classification (germline): Uncertain significance (1 of 4 stars; one submission).

gnomAD v4.1: 1 of 1,613,920 alleles (0.000062%); highest among the groups gnomAD compares: African/African-American, 0.0013%; no homozygotes.

Submission:

Ambry Genetics
Classification: Uncertain significance. Last evaluated: 2026-03-13. Review status: criteria provided, single submitter. Criteria: Ambry Variant Classification Scheme 2023. Collection method: clinical testing. Allele origin: germline.
Comment: The p.R295L variant (also known as c.884G>T), located in coding exon 1 of the MLH3 gene, results from a G to T substitution at nucleotide position 884. The arginine at codon 295 is replaced by leucine, an amino acid with dissimilar properties. This amino acid position is conserved. In addition, the in silico prediction for this alteration is inconclusive. Based on the available evidence, the clinical significance of this variant remains unclear.